The following is an entry in ClinVar:

ClinVar aggregate classification (germline): Uncertain significance (1 of 4 stars; one submission).

Conditions:
Microcephaly 18, primary, autosomal dominant (MCPH18). Identifiers: MedGen C4479608, MONDO:0054593, OMIM 617520.

Submission:

Baylor Genetics
Classification: Uncertain significance for Microcephaly 18, primary, autosomal dominant. Last evaluated: 2019-12-27. Review status: criteria provided, single submitter. Criteria: ACMG Guidelines, 2015. Collection method: clinical testing. Allele origin: unknown. Affected: yes.
Comment: This variant was determined to be of uncertain significance according to ACMG Guidelines, 2015 [PMID:25741868].

NM_014991.6(WDFY3):c.7910G>A (p.Arg2637Gln)

Gene: WDFY3 (WD repeat and FYVE domain containing 3; minus strand). Cytogenetic location: 4q21.23.
Variant type: single nucleotide variant.
Coding change: c.7910G>A on transcript NM_014991.6 (MANE Select); coding-DNA position 7910, G replaced by A.
Protein change: p.Arg2637Gln; replaces arginine 2637 with glutamine.
Molecular consequence: missense variant.
Genome position (GRCh38, 1-based): chr4:84,715,349, C>T on the plus strand (G>A on the coding strand, the complement: WDFY3 is on the minus strand). VCF-style: chr4-84715349-C-T. GRCh37 (hg19) VCF-style: chr4-85636502-C-T.
Other names: short protein forms R2637Q.
Identifiers: ClinVar variation 1029336 (VCV001029336.1), dbSNP rs1733677406, ClinGen allele CA357541222.